The following is an entry in ClinVar:

NM_000492.4(CFTR):c.215C>G (p.Ala72Gly)

Gene: CFTR (CF transmembrane conductance regulator; plus strand). Cytogenetic location: 7q31.2.
Variant type: single nucleotide variant.
Coding change: c.215C>G on transcript NM_000492.4 (MANE Select); coding-DNA position 215, C replaced by G.
Protein change: p.Ala72Gly; replaces alanine 72 with glycine.
Molecular consequence: missense variant.
Genome position (GRCh38, 1-based): chr7:117,509,084, C>G. VCF-style: chr7-117509084-C-G. GRCh37 (hg19) VCF-style: chr7-117149138-C-G.
Other names: short protein forms A72G.
Identifiers: ClinVar variation 1786865 (VCV001786865.2), dbSNP rs397508347, ClinGen allele CA368972202.

ClinVar aggregate classification (germline): Uncertain significance (1 of 4 stars; one submission).

Conditions:
Cystic fibrosis (CF). Also called: MUCOVISCIDOSIS. Identifiers: Orphanet 586, MedGen C0010674, MONDO:0009061, OMIM 219700. Disease mechanism: loss of function.

gnomAD v4.1: 1 of 1,613,018 alleles (0.000062%); highest among the groups gnomAD compares: Non-Finnish European, 0.000085%; no homozygotes.

Submission:

Ambry Genetics
Classification: Uncertain significance for Cystic fibrosis. Last evaluated: 2022-05-21. Review status: criteria provided, single submitter. Criteria: Ambry Variant Classification Scheme 2023. Collection method: clinical testing. Allele origin: germline.
Comment: The p.A72G variant (also known as c.215C>G), located in coding exon 3 of the CFTR gene, results from a C to G substitution at nucleotide position 215. The alanine at codon 72 is replaced by glycine, an amino acid with similar properties. This amino acid position is conserved. In addition, this alteration is predicted to be deleterious by in silico analysis. Since supporting evidence is limited at this time, the clinical significance of this alteration remains unclear.